The following is an entry in ClinVar:

NM_182914.3(SYNE2):c.10645G>A (p.Glu3549Lys)

Gene: SYNE2 (spectrin repeat containing nuclear envelope protein 2; plus strand). Cytogenetic location: 14q23.2.
Variant type: single nucleotide variant.
Coding change: c.10645G>A on transcript NM_182914.3 (MANE Select); coding-DNA position 10645, G replaced by A.
Protein change: p.Glu3549Lys; replaces glutamic acid 3549 with lysine.
Molecular consequence: missense variant.
Genome position (GRCh38, 1-based): chr14:64,070,858, G>A. VCF-style: chr14-64070858-G-A. GRCh37 (hg19) VCF-style: chr14-64537576-G-A.
Other names: c.10645G>A (NM_182914.2); c.10645G>A, p.Glu3549Lys (NM_015180.6); short protein forms E3549K.
Identifiers: ClinVar variation 2069198 (VCV002069198.5), dbSNP rs2097400357, ClinGen allele CA389936890.

ClinVar aggregate classification (germline): Uncertain significance. Review status: criteria provided, multiple submitters, no conflicts (2 of 4 stars). 2 submissions from 2 submitters: Uncertain significance (2). Last evaluated 2025-10-02.

Conditions:
Emery-Dreifuss muscular dystrophy 5, autosomal dominant (EDMD5). Also called: EMERY-DREIFUSS MUSCULAR DYSTROPHY 5. Identifiers: Orphanet 261, MedGen C2751805, MONDO:0013072, OMIM 612999.

Allele frequency attached by ClinVar (database versions not stated): TOPMed below 0.00001; gnomAD 0.00001.

Submissions (2):

Labcorp Genetics (formerly Invitae), Labcorp
Classification: Uncertain significance for Emery-Dreifuss muscular dystrophy 5, autosomal dominant. Last evaluated: 2025-10-02. Review status: criteria provided, single submitter. Criteria: Invitae Variant Classification Sherloc (09022015). Collection method: clinical testing. Allele origin: germline.
Comment: This sequence change replaces glutamic acid, which is acidic and polar, with lysine, which is basic and polar, at codon 3549 of the SYNE2 protein (p.Glu3549Lys). This variant is not present in population databases (gnomAD no frequency). This variant has not been reported in the literature in individuals affected with SYNE2-related conditions. ClinVar contains an entry for this variant (Variation ID: 2069198). An algorithm developed to predict the effect of missense changes on protein structure and function outputs the following: PolyPhen-2: "Possibly Damaging". The lysine amino acid residue is found in multiple mammalian species, which suggests that this missense change does not adversely affect protein function. In summary, the available evidence is currently insufficient to determine the role of this variant in disease. Therefore, it has been classified as a Variant of Uncertain Significance.

Ambry Genetics
Classification: Uncertain significance. Last evaluated: 2024-09-30. Review status: criteria provided, single submitter. Criteria: Ambry Variant Classification Scheme 2023. Collection method: clinical testing. Allele origin: germline.